The following is an entry in ClinVar:

ClinVar aggregate classification (germline): Uncertain significance (1 of 4 stars; one submission).

Conditions:
Hereditary sensory and autonomic neuropathy with spastic paraplegia (HSNSP). Identifiers: Orphanet 139578, MedGen C1850395, MONDO:0009748, OMIM 256840.

Submission:

Baylor Genetics
Classification: Uncertain significance for Hereditary sensory and autonomic neuropathy with spastic paraplegia. Last evaluated: 2019-03-27. Review status: criteria provided, single submitter. Criteria: ACMG Guidelines, 2015. Collection method: clinical testing. Allele origin: paternal. Affected: yes.
Comment: This variant was determined to be of uncertain significance according to ACMG Guidelines, 2015 [PMID:25741868].

NM_012073.5(CCT5):c.664A>T (p.Thr222Ser)

Gene: CCT5 (chaperonin containing TCP1 subunit 5; plus strand). Cytogenetic location: 5p15.2.
Variant type: single nucleotide variant.
Coding change: c.664A>T on transcript NM_012073.5 (MANE Select); coding-DNA position 664, A replaced by T.
Protein change: p.Thr222Ser; replaces threonine 222 with serine.
Molecular consequence: missense variant.
Genome position (GRCh38, 1-based): chr5:10,258,244, A>T. VCF-style: chr5-10258244-A-T. GRCh37 (hg19) VCF-style: chr5-10258356-A-T.
Other names: c.601A>T, p.Thr201Ser (NM_001306153.1); c.499A>T, p.Thr167Ser (NM_001306154.2); c.385A>T, p.Thr129Ser (NM_001306155.2); c.550A>T, p.Thr184Ser (NM_001306156.2); short protein forms T129S, T167S, T222S, T201S, T184S.
Identifiers: ClinVar variation 1030217 (VCV001030217.1), dbSNP rs1745778826, ClinGen allele CA359182596.